The following is an entry in ClinVar:

ClinVar aggregate classification (germline): Conflicting classifications of pathogenicity. Review status: criteria provided, conflicting classifications (1 of 4 stars). 6 submissions from 6 submitters: Uncertain significance (2); Likely benign (2). 2 of the submissions do not count toward it. Last evaluated 2026-01-26.

Conditions:
OAT-related disorder. Also called: OAT-related condition.
Ornithine aminotransferase deficiency (GACR). Also called: Ornithine ketoacid aminotransferase deficiency; Gyrate atrophy; Gyrate atrophy of choroid and retina; Girate atrophy of the retina; HYPERORNITHINEMIA WITH GYRATE ATROPHY OF CHOROID AND RETINA; OKT DEFICIENCY. Identifiers: Orphanet 414, MedGen C0018425, MONDO:0009796, OMIM 258870.

Allele frequency attached by ClinVar (database versions not stated): gnomAD exomes 0.00018; ExAC 0.00019; ESP Exome Variant Server 0.00031; TOPMed 0.00056; gnomAD 0.00060 and 0.00070; 1000 Genomes Project 30x 0.00078; 1000 Genomes Project 0.00080.
gnomAD v4.1: 216 of 1,614,116 alleles (0.013%); highest among the groups gnomAD compares: African/African-American, 0.19%; no homozygotes.

Submissions (6):

Labcorp Genetics (formerly Invitae), Labcorp
Classification: Likely benign for Ornithine aminotransferase deficiency. Last evaluated: 2026-01-26. Review status: criteria provided, single submitter. Criteria: Invitae Variant Classification Sherloc (09022015). Collection method: clinical testing. Allele origin: germline.

Blueprint Genetics
Classification: Likely benign. Last evaluated: 2024-03-19. Review status: criteria provided, single submitter. Criteria: ACMG Guidelines, 2015. Collection method: clinical testing. Allele origin: germline.

Eurofins Ntd Llc (ga)
Classification: Uncertain significance. Last evaluated: 2018-06-19. Review status: criteria provided, single submitter. Criteria: EGL ClinVar v180209 classification definitions. Collection method: clinical testing. Allele origin: germline. Observed: 1 variant allele, 1 heterozygote.

Illumina Laboratory Services, Illumina
Classification: Uncertain significance for Ornithine aminotransferase deficiency. Last evaluated: 2018-01-12. Review status: criteria provided, single submitter. Criteria: ICSL Variant Classification Criteria 13 December 2019. Collection method: clinical testing. Allele origin: germline.

Natera, Inc.
Classification: Likely benign for Gyrate atrophy. Last evaluated: 2020-05-18. Review status: no assertion criteria provided. Collection method: clinical testing. Allele origin: germline. Not counted in ClinVar's aggregate classification.

PreventionGenetics, part of Exact Sciences
Classification: Likely benign for OAT-related condition. Last evaluated: 2019-10-28. Review status: no assertion criteria provided. Collection method: clinical testing. Allele origin: germline. Not counted in ClinVar's aggregate classification.
Comment: This variant is classified as likely benign based on ACMG/AMP sequence variant interpretation guidelines (Richards et al. 2015 PMID: 25741868, with internal and published modifications).

NM_000274.4(OAT):c.48C>T (p.Arg16=)

Gene: OAT (ornithine aminotransferase; minus strand). Cytogenetic location: 10q26.13.
Variant type: single nucleotide variant.
Coding change: c.48C>T on transcript NM_000274.4 (MANE Select); coding-DNA position 48, C replaced by T.
Protein change: p.Arg16=; no amino-acid change (arginine 16 retained).
Molecular consequence: synonymous variant. On other transcripts: intron variant (2).
Genome position (GRCh38, 1-based): chr10:124,412,124, G>A on the plus strand (C>T on the coding strand, the complement: OAT is on the minus strand). VCF-style: chr10-124412124-G-A. GRCh37 (hg19) VCF-style: chr10-126100693-G-A.
Other names: c.48C>T, p.Arg16= (NM_001322965.2, NM_001322966.2, NM_001322967.2 and 4 more transcripts); c.-215-3159C>T (NM_001171814.2); c.-515-3159C>T (NM_001322974.2).
Identifiers: ClinVar variation 597527 (VCV000597527.23), dbSNP rs143526711, ClinGen allele CA5733623.